The following is an entry in ClinVar:

ClinVar aggregate classification (germline): Pathogenic. Review status: criteria provided, single submitter (1 of 4 stars). 2 submissions from 2 submitters: Pathogenic (1). 1 of the submissions does not count toward it. Last evaluated 2021-06-15.

Conditions:
Von Hippel-Lindau syndrome (VHLS). Also called: Von Hippel-Lindau; von Hippel–Lindau syndrome; VHL syndrome. Identifiers: Orphanet 892, MedGen C0019562, MONDO:0008667, OMIM 193300. Disease mechanism: loss of function.
Chuvash polycythemia. Also called: POLYCYTHEMIA, VHL-DEPENDENT. Identifiers: Orphanet 238557, MedGen C1837915, MONDO:0009892, OMIM 263400.

Submissions (2):

Labcorp Genetics (formerly Invitae), Labcorp
Classification: Pathogenic for Von Hippel-Lindau syndrome; Chuvash polycythemia. Last evaluated: 2021-06-15. Review status: criteria provided, single submitter. Criteria: Invitae Variant Classification Sherloc (09022015). Collection method: clinical testing. Allele origin: germline.
Comment: This sequence change creates a premature translational stop signal (p.Leu140Glnfs*3) in the VHL gene. It is expected to result in an absent or disrupted protein product. Loss-of-function variants in VHL are known to be pathogenic (PMID: 8956040, 12202531). This variant is not present in population databases (ExAC no frequency). This variant has been reported in two individuals affected with von Hippel-Lindau disease (PMID: 9829912). ClinVar contains an entry for this variant (Variation ID: 223207). For these reasons, this variant has been classified as Pathogenic.

Genomic Diagnostic Laboratory, Division of Genomic Diagnostics, Children's Hospital of Philadelphia
Classification: Pathogenic for Von Hippel-Lindau syndrome. Last evaluated: 2016-02-26. Review status: no assertion criteria provided. Collection method: clinical testing. Allele origin: germline. Affected: yes. Observed: 6 variant alleles. Not counted in ClinVar's aggregate classification.

Literature cited by the submitters: PubMed 8956040 (cited by Labcorp Genetics (formerly Invitae), Labcorp); PubMed 12202531 (cited by Labcorp Genetics (formerly Invitae), Labcorp); PubMed 9829912 (cited by Labcorp Genetics (formerly Invitae), Labcorp).

NM_000551.4(VHL):c.419_420del (p.Leu140fs)

Genes: VHL (von Hippel-Lindau tumor suppressor; plus strand), LOC107303340 (3p25 von Hippel-Lindau tumor suppressor, E3 ubiquitin protein ligase Alu-mediated recombination region; plus strand). Cytogenetic location: 3p25.3.
Variant type: Microsatellite.
Coding change: c.419_420del on transcript NM_000551.4 (MANE Select); coding-DNA positions 419 to 420, 2 bases deleted (TC; older notation c.419_420delTC).
Protein change: p.Leu140fs; shifts the reading frame from leucine 140.
Molecular consequence: frameshift variant. On other transcripts: intron variant (2).
Genome position (GRCh38, 1-based): chr3:10,146,592-10,146,593, TC deleted; deleting any 2 consecutive bases within chr3:10,146,588-10,146,593 gives the same sequence; the c. name uses the placement nearest the transcript's 3' end. VCF-style (leftmost placement, unchanged base first): chr3-10146587-ATC-A. GRCh37 (hg19) VCF-style: chr3-10188271-ATC-A.
Other names: c.419_420delTC (NM_000551.3); c.*18-3199TC[2] (NM_001354723.2); c.341-3199TC[2] (NM_198156.3); short protein forms L140fs.
Identifiers: ClinVar variation 223207 (VCV000223207.7), dbSNP rs869025649, ClinGen allele CA357039.